The following is an entry in ClinVar:

NM_002485.5(NBN):c.1837A>G (p.Lys613Glu)

Gene: NBN (nibrin; minus strand). Cytogenetic location: 8q21.3.
Variant type: single nucleotide variant.
Coding change: c.1837A>G on transcript NM_002485.5 (MANE Select); coding-DNA position 1837, A replaced by G.
Protein change: p.Lys613Glu; replaces lysine 613 with glutamic acid.
Molecular consequence: missense variant.
Genome position (GRCh38, 1-based): chr8:89,953,252, T>C on the plus strand (A>G on the coding strand, the complement: NBN is on the minus strand). VCF-style: chr8-89953252-T-C. GRCh37 (hg19) VCF-style: chr8-90965480-T-C.
Other names: c.1591A>G, p.Lys531Glu (NM_001024688.3); short protein forms K613E, K531E.
Identifiers: ClinVar variation 480042 (VCV000480042.26), dbSNP rs1554558199, ClinGen allele CA371654978.

ClinVar aggregate classification (germline): Uncertain significance. Review status: criteria provided, multiple submitters, no conflicts (2 of 4 stars). 5 submissions from 5 submitters: Uncertain significance (4). 1 of the submissions does not count toward it. Last evaluated 2025-06-28.

Conditions:
Hereditary cancer-predisposing syndrome. Also called: Hereditary neoplastic syndrome; Neoplastic Syndromes, Hereditary; Tumor predisposition; Hereditary Cancer Syndrome. Identifiers: Orphanet 140162, MedGen C0027672, MeSH D009386, MONDO:0015356.
Microcephaly, normal intelligence and immunodeficiency (NBS). Also called: IMMUNODEFICIENCY, MICROCEPHALY, AND CHROMOSOMAL INSTABILITY; SEEMANOVA SYNDROME II; Nijmegen breakage syndrome; Microcephaly with normal intelligence immunodeficiency and lymphoreticular malignancies; Nonsyndromal microcephaly autosomal recessive with normal intelligence; Seemanova syndrome 2. Identifiers: Orphanet 647, MedGen C0398791, MONDO:0009623, OMIM 251260.
Aplastic anemia. Identifiers: Orphanet 182040, Orphanet 88, MedGen C0002874, MONDO:0015909, OMIM 609135, HP:0001915.

Allele frequency attached by ClinVar (database versions not stated): TOPMed below 0.00001.

Submissions (5):

Ambry Genetics
Classification: Uncertain significance for Hereditary cancer-predisposing syndrome. Last evaluated: 2025-06-28. Review status: criteria provided, single submitter. Criteria: Ambry Variant Classification Scheme 2023. Collection method: clinical testing. Allele origin: germline.
Comment: The p.K613E variant (also known as c.1837A>G), located in coding exon 11 of the NBN gene, results from an A to G substitution at nucleotide position 1837. The lysine at codon 613 is replaced by glutamic acid, an amino acid with similar properties. This variant was not reported in population based cohorts in the following databases: Database of Single Nucleotide Polymorphisms (dbSNP), NHLBI Exome Sequencing Project (ESP), and 1000 Genomes Project. In the ESP, this variant was not observed in 6502 samples (13004 alleles) with coverage at this position. To date, this alteration has been detected with an allele frequency of approximately 0.001% (greater than 175000 alleles tested) in our clinical cohort. This amino acid position is not well conserved in available vertebrate species. In addition, this alteration is predicted to be tolerated by in silico analysis. Since supporting evidence is limited at this time, the clinical significance of this alteration remains unclear.

Labcorp Genetics (formerly Invitae), Labcorp
Classification: Uncertain significance for Microcephaly, normal intelligence and immunodeficiency. Last evaluated: 2024-08-11. Review status: criteria provided, single submitter. Criteria: Invitae Variant Classification Sherloc (09022015). Collection method: clinical testing. Allele origin: germline.
Comment: This sequence change replaces lysine, which is basic and polar, with glutamic acid, which is acidic and polar, at codon 613 of the NBN protein (p.Lys613Glu). This variant is not present in population databases (gnomAD no frequency). This variant has not been reported in the literature in individuals affected with NBN-related conditions. ClinVar contains an entry for this variant (Variation ID: 480042). An algorithm developed to predict the effect of missense changes on protein structure and function outputs the following: PolyPhen-2: "Benign". The glutamic acid amino acid residue is found in multiple mammalian species, which suggests that this missense change does not adversely affect protein function. In summary, the available evidence is currently insufficient to determine the role of this variant in disease. Therefore, it has been classified as a Variant of Uncertain Significance.

Baylor Genetics
Classification: Uncertain significance for Aplastic anemia. Last evaluated: 2023-12-14. Review status: criteria provided, single submitter. Criteria: ACMG Guidelines, 2015. Collection method: clinical testing. Allele origin: unknown.

Genome-Nilou Lab
Classification: Uncertain significance for Microcephaly, normal intelligence and immunodeficiency. Last evaluated: 2021-11-07. Review status: criteria provided, single submitter. Criteria: ACMG Guidelines, 2015. Collection method: clinical testing. Allele origin: germline. Affected: no.

Natera, Inc.
Classification: Uncertain significance for Nijmegen breakage syndrome. Last evaluated: 2021-02-20. Review status: no assertion criteria provided. Collection method: clinical testing. Allele origin: germline. Not counted in ClinVar's aggregate classification.